The following is an entry in ClinVar:

NM_001004482.1(OR13C5):c.244C>T (p.Leu82=)

Gene: OR13C5 (olfactory receptor family 13 subfamily C member 5; minus strand). Cytogenetic location: 9q31.1.
Variant type: single nucleotide variant.
Coding change: c.244C>T on transcript NM_001004482.1 (MANE Select); coding-DNA position 244, C replaced by T.
Protein change: p.Leu82=; no amino-acid change (leucine 82 retained).
Molecular consequence: synonymous variant.
Genome position (GRCh38, 1-based): chr9:104,599,170, G>A on the plus strand (C>T on the coding strand, the complement: OR13C5 is on the minus strand). VCF-style: chr9-104599170-G-A. GRCh37 (hg19) VCF-style: chr9-107361451-G-A.
Identifiers: ClinVar variation 403269 (VCV000403269.9), dbSNP rs80227456, ClinGen allele CA5166144.

ClinVar aggregate classification (germline): Benign/Likely benign. Review status: criteria provided, multiple submitters, no conflicts (2 of 4 stars). 3 submissions from 3 submitters: Benign (1); Likely benign (2). Last evaluated 2019-12-31.

Allele frequency attached by ClinVar (database versions not stated): ExAC 0.43573; gnomAD exomes 0.47497; gnomAD 0.49704 and 0.51433; 1000 Genomes Project 30x 0.62414; 1000 Genomes Project 0.68031.

Submissions (3):

Labcorp Genetics (formerly Invitae), Labcorp
Classification: Likely benign. Last evaluated: 2019-12-31. Review status: criteria provided, single submitter. Criteria: Invitae Variant Classification Sherloc (09022015). Collection method: clinical testing. Allele origin: germline.

Laboratory for Molecular Medicine, Mass General Brigham Personalized Medicine
Classification: Benign. Last evaluated: 2016-03-28. Review status: criteria provided, single submitter. Criteria: LMM Criteria. Collection method: clinical testing. Allele origin: germline.
Comment: Variant identified in a genome or exome case(s) and assessed due to predicted null impact of the variant or pathogenic assertions in the literature or databases. Disclaimer: This variant has not undergone full assessment. The following are preliminary notes: Frequency

Breakthrough Genomics
Classification: Likely benign. Review status: criteria provided, single submitter. Criteria: ACMG Guidelines, 2015. Collection method: not provided. Allele origin: germline. Inheritance: Unknown mechanism. Affected: yes.